The following is an entry in ClinVar:

ClinVar aggregate classification (germline): Pathogenic. Review status: criteria provided, multiple submitters, no conflicts (2 of 4 stars). 3 submissions from 3 submitters: Pathogenic (3). Last evaluated 2023-09-18.

Conditions:
Hereditary cancer-predisposing syndrome. Also called: Tumor predisposition; Hereditary Cancer Syndrome; Hereditary neoplastic syndrome; Neoplastic Syndromes, Hereditary. Identifiers: Orphanet 140162, MedGen C0027672, MeSH D009386, MONDO:0015356.
Hereditary nonpolyposis colorectal neoplasms. Identifiers: MedGen C0009405, MeSH D003123.
Lynch syndrome 4 (LYNCH4). Also called: Hereditary non-polyposis colorectal cancer, type 4; Colorectal cancer, hereditary nonpolyposis, type 4. Identifiers: Orphanet 144, MedGen C1838333, MONDO:0013699, OMIM 614337. Disease mechanism: loss of function.

Submissions (3):

Myriad Genetics, Inc.
Classification: Pathogenic for Lynch syndrome 4. Last evaluated: 2023-09-18. Review status: criteria provided, single submitter. Criteria: Myriad Autosomal Dominant, Autosomal Recessive and X-Linked Classification Criteria (2023). Collection method: clinical testing. Allele origin: unknown.
Comment: This variant is considered pathogenic. This variant creates a frameshift predicted to result in premature protein truncation.

Labcorp Genetics (formerly Invitae), Labcorp
Classification: Pathogenic for Hereditary nonpolyposis colorectal neoplasms. Last evaluated: 2023-09-17. Review status: criteria provided, single submitter. Criteria: Invitae Variant Classification Sherloc (09022015). Collection method: clinical testing. Allele origin: germline.
Comment: For these reasons, this variant has been classified as Pathogenic. ClinVar contains an entry for this variant (Variation ID: 1442211). This variant has not been reported in the literature in individuals affected with PMS2-related conditions. This variant is not present in population databases (gnomAD no frequency). This sequence change creates a premature translational stop signal (p.Ser69Glnfs*7) in the PMS2 gene. It is expected to result in an absent or disrupted protein product. Loss-of-function variants in PMS2 are known to be pathogenic (PMID: 21376568, 24362816).

Ambry Genetics
Classification: Pathogenic for Hereditary cancer-predisposing syndrome. Last evaluated: 2017-04-26. Review status: criteria provided, single submitter. Criteria: Ambry Variant Classification Scheme 2023. Collection method: clinical testing. Allele origin: germline.
Comment: The c.205delT pathogenic mutation, located in coding exon 3 of the PMS2 gene, results from a deletion of one nucleotide at nucleotide position 205, causing a translational frameshift with a predicted alternate stop codon (p.S69Qfs*7). This alteration is expected to result in loss of function by premature protein truncation or nonsense-mediated mRNA decay. As such, this alteration is interpreted as a disease-causing mutation.

Literature cited by the submitters: PubMed 21376568 (cited by Labcorp Genetics (formerly Invitae), Labcorp); PubMed 24362816 (cited by Labcorp Genetics (formerly Invitae), Labcorp).

NM_000535.7(PMS2):c.205del (p.Ser69fs)

Gene: PMS2 (PMS1 homolog 2, mismatch repair system component; minus strand). Cytogenetic location: 7p22.1.
Variant type: Deletion.
Coding change: c.205del on transcript NM_000535.7 (MANE Select); coding-DNA position 205, one base deleted (T; older notation c.205delT).
Protein change: p.Ser69fs; shifts the reading frame from serine 69.
Molecular consequence: frameshift variant. On other transcripts: 5 prime UTR variant (11), non-coding transcript variant (1).
Genome position (GRCh38, 1-based): chr7:6,004,017, A deleted on the plus strand (T on the coding strand, the reverse complement: PMS2 is on the minus strand); the first of 3 consecutive A bases (chr7:6,004,017-6,004,019); deleting any one gives the same sequence. VCF-style (leftmost placement, unchanged base first): chr7-6004016-GA-G. GRCh37 (hg19) VCF-style: chr7-6043647-GA-G.
Other names: c.-201del (NM_001322003.2, NM_001322004.2, NM_001322005.2 and 3 more transcripts); c.205del, p.Ser69fs (NM_001322006.2, NM_001322014.2); c.-11del (NM_001322007.2, NM_001322008.2); c.-680del (NM_001322011.2, NM_001322012.2); c.-280del (NM_001322015.2); short protein forms S69fs.
Identifiers: ClinVar variation 1442211 (VCV001442211.9), dbSNP rs2128830113, ClinGen allele CA2573141988.